The following is an entry in ClinVar:

ClinVar aggregate classification (germline): Uncertain significance (1 of 4 stars; one submission).

Conditions:
Developmental and epileptic encephalopathy, 34 (DEE34). Also called: Early infantile epileptic encephalopathy 34; SLC12A5-Related Epilepsy of Infancy with Migrating Focal Seizures. Identifiers: Orphanet 293181, MedGen C4225257, MONDO:0014718, OMIM 616645.

Allele frequency attached by ClinVar (database versions not stated): TOPMed below 0.00001; gnomAD 0.00001; gnomAD exomes 0.00001.
gnomAD v4.1: 13 of 1,549,430 alleles (0.00084%); highest among the groups gnomAD compares: Middle Eastern, 0.017%; no homozygotes.

Submission:

Labcorp Genetics (formerly Invitae), Labcorp
Classification: Uncertain significance for Developmental and epileptic encephalopathy, 34. Last evaluated: 2022-08-30. Review status: criteria provided, single submitter. Criteria: Invitae Variant Classification Sherloc (09022015). Collection method: clinical testing. Allele origin: germline.
Comment: This sequence change replaces glycine, which is neutral and non-polar, with serine, which is neutral and polar, at codon 18 of the SLC12A5 protein (p.Gly18Ser). This variant also falls at the last nucleotide of exon 1, which is part of the consensus splice site for this exon. The frequency data for this variant in the population databases is considered unreliable, as metrics indicate poor data quality at this position in the gnomAD database. This variant has not been reported in the literature in individuals affected with SLC12A5-related conditions. ClinVar contains an entry for this variant (Variation ID: 568366). Algorithms developed to predict the effect of missense changes on protein structure and function are either unavailable or do not agree on the potential impact of this missense change (SIFT: "Tolerated"; PolyPhen-2: "Probably Damaging"; Align-GVGD: "Class C0"). Variants that disrupt the consensus splice site are a relatively common cause of aberrant splicing (PMID: 17576681, 9536098). Algorithms developed to predict the effect of sequence changes on RNA splicing suggest that this variant may disrupt the consensus splice site. In summary, the available evidence is currently insufficient to determine the role of this variant in disease. Therefore, it has been classified as a Variant of Uncertain Significance.

Literature cited by the submitters: PubMed 17576681; PubMed 9536098.

NM_020708.5(SLC12A5):c.52G>A (p.Gly18Ser)

Gene: SLC12A5 (solute carrier family 12 member 5; plus strand). Cytogenetic location: 20q13.12.
Variant type: single nucleotide variant.
Coding change: c.52G>A on transcript NM_020708.5 (MANE Select); coding-DNA position 52, G replaced by A.
Protein change: p.Gly18Ser; replaces glycine 18 with serine.
Molecular consequence: missense variant. On other transcripts: intron variant (1).
Genome position (GRCh38, 1-based): chr20:46,029,396, G>A. VCF-style: chr20-46029396-G-A. GRCh37 (hg19) VCF-style: chr20-44658035-G-A.
Other names: c.122-5552G>A (NM_001134771.2); short protein forms G18S.
Identifiers: ClinVar variation 568366 (VCV000568366.8), dbSNP rs1399171674, ClinGen allele CA409232723.